The following is an entry in ClinVar:

ClinVar aggregate classification (germline): Uncertain significance (1 of 4 stars; one submission).

Submission:

GeneDx
Classification: Uncertain significance. Last evaluated: 2024-03-28. Review status: criteria provided, single submitter. Criteria: GeneDx Variant Classification Process June 2021. Collection method: clinical testing. Allele origin: germline. Affected: yes.
Comment: Not observed at significant frequency in large population cohorts (gnomAD); In silico analysis supports that this missense variant does not alter protein structure/function; Has not been previously published as pathogenic or benign to our knowledge; This variant is associated with the following publications: (PMID: 22779007)

NM_001323289.2(CDKL5):c.941A>G (p.Lys314Arg)

Gene: CDKL5 (cyclin dependent kinase like 5; plus strand). Cytogenetic location: Xp22.13.
Variant type: single nucleotide variant.
Coding change: c.941A>G on transcript NM_001323289.2 (MANE Select); coding-DNA position 941, A replaced by G.
Protein change: p.Lys314Arg; replaces lysine 314 with arginine.
Molecular consequence: missense variant.
Genome position (GRCh38, 1-based): chrX:18,598,577, A>G. VCF-style: chrX-18598577-A-G. GRCh37 (hg19) VCF-style: chrX-18616697-A-G.
Other names: c.941A>G, p.Lys314Arg (NM_001037343.2, NM_003159.3); short protein forms K314R.
Identifiers: ClinVar variation 3371643 (VCV003371643.1).